The following is an entry in ClinVar:

NM_172107.4(KCNQ2):c.1602G>A (p.Pro534=)

Gene: KCNQ2 (potassium voltage-gated channel subfamily Q member 2; minus strand). Cytogenetic location: 20q13.33.
Variant type: single nucleotide variant.
Coding change: c.1602G>A on transcript NM_172107.4 (MANE Select); coding-DNA position 1602, G replaced by A.
Protein change: p.Pro534=; no amino-acid change (proline 534 retained).
Molecular consequence: synonymous variant.
Genome position (GRCh38, 1-based): chr20:63,414,117, C>T on the plus strand (G>A on the coding strand, the complement: KCNQ2 is on the minus strand). VCF-style: chr20-63414117-C-T. GRCh37 (hg19) VCF-style: chr20-62045470-C-T.
Other names: c.1518G>A, p.Pro506= (NM_004518.6); c.1548G>A, p.Pro516= (NM_172106.3); c.1509G>A, p.Pro503= (NM_172108.5).
Identifiers: ClinVar variation 369798 (VCV000369798.21), dbSNP rs775089685, ClinGen allele CA9958397.

ClinVar aggregate classification (germline): Likely benign. Review status: criteria provided, multiple submitters, no conflicts (2 of 4 stars). 5 submissions from 5 submitters: Likely benign (4). 1 of the submissions does not count toward it. Last evaluated 2025-12-26.

Conditions:
Inborn genetic diseases. Identifiers: MedGen C0950123, MeSH D030342.
Early-infantile DEE. Also called: Ohtahara syndrome; Early infantile epileptic encephalopathy with suppression bursts; Early infantile epileptic encephalopathy. Identifiers: Orphanet 1934, MedGen C0393706, MONDO:0800491.
Developmental and epileptic encephalopathy, 7 (DEE7). Also called: KCNQ2-Related Neonatal-Onset Developmental and Epileptic Encephalopathy (NEO-DEE); KCNQ2-Related Neonatal Epileptic Encephalopathy; Early infantile epileptic encephalopathy 7. Identifiers: Orphanet 439218, MedGen C3150986, MONDO:0013387, OMIM 613720.

Allele frequency attached by ClinVar (database versions not stated): ExAC 0.00002; gnomAD exomes 0.00002; TOPMed 0.00003; gnomAD 0.00004.

Submissions (5):

Labcorp Genetics (formerly Invitae), Labcorp
Classification: Likely benign for Early-infantile DEE. Last evaluated: 2025-12-26. Review status: criteria provided, single submitter. Criteria: Invitae Variant Classification Sherloc (09022015). Collection method: clinical testing. Allele origin: germline.

CeGaT Center for Human Genetics Tuebingen
Classification: Likely benign. Last evaluated: 2025-04-01. Review status: criteria provided, single submitter. Criteria: CeGaT Center For Human Genetics Tuebingen Variant Classification Criteria Version 2. Collection method: clinical testing. Allele origin: germline. Affected: yes. Observed: 1 variant allele.
Comment: KCNQ2: BP4, BP7

Ambry Genetics
Classification: Likely benign for Inborn genetic diseases. Last evaluated: 2017-09-26. Review status: criteria provided, single submitter. Criteria: Ambry Variant Classification Scheme 2023. Collection method: clinical testing. Allele origin: germline.

GeneDx
Classification: Likely benign. Last evaluated: 2016-09-22. Review status: criteria provided, single submitter. Criteria: GeneDx Variant Classification (06012015). Collection method: clinical testing. Allele origin: germline. Affected: yes.
Comment: This variant is considered likely benign or benign based on one or more of the following criteria: it is a conservative change, it occurs at a poorly conserved position in the protein, it is predicted to be benign by multiple in silico algorithms, and/or has population frequency not consistent with disease.

GeneReviews
No classification provided. Condition: Developmental and epileptic encephalopathy, 7. Review status: no classification provided. Collection method: literature only. Allele origin: germline. Affected: yes. Not counted in ClinVar's aggregate classification.

Literature cited by the submitters: PubMed 25959266 (cited by Ambry Genetics and GeneReviews); NCBI Bookshelf NBK32534 (cited by GeneReviews).